The following is an entry in ClinVar:

ClinVar aggregate classification (germline): Uncertain significance. Review status: criteria provided, multiple submitters, no conflicts (2 of 4 stars). 3 submissions from 3 submitters: Uncertain significance (2). 1 of the submissions does not count toward it. Last evaluated 2023-05-23.

Conditions:
Inborn genetic diseases. Identifiers: MedGen C0950123, MeSH D030342.
Hyperammonemia, type III (NAGSD). Also called: Hyperammonemia due to N-acetylglutamate synthase deficiency. Identifiers: Orphanet 927, MedGen C0268543, MONDO:0009377, OMIM 237310.

Allele frequency attached by ClinVar (database versions not stated): gnomAD 0.00001; TOPMed 0.00001; gnomAD exomes 0.00003; ExAC 0.00004.
gnomAD v4.1: 45 of 1,613,760 alleles (0.0028%); highest among the groups gnomAD compares: Middle Eastern, 0.016%; no homozygotes.

Submissions (3):

Ambry Genetics
Classification: Uncertain significance for Inborn genetic diseases. Last evaluated: 2023-05-23. Review status: criteria provided, single submitter. Criteria: Ambry Variant Classification Scheme 2023. Collection method: clinical testing. Allele origin: germline.

Labcorp Genetics (formerly Invitae), Labcorp
Classification: Uncertain significance for Hyperammonemia, type III. Last evaluated: 2022-07-26. Review status: criteria provided, single submitter. Criteria: Invitae Variant Classification Sherloc (09022015). Collection method: clinical testing. Allele origin: germline.
Comment: This sequence change replaces phenylalanine, which is neutral and non-polar, with leucine, which is neutral and non-polar, at codon 371 of the NAGS protein (p.Phe371Leu). This variant is present in population databases (rs755872617, gnomAD 0.007%). This variant has not been reported in the literature in individuals affected with NAGS-related conditions. ClinVar contains an entry for this variant (Variation ID: 857258). Algorithms developed to predict the effect of missense changes on protein structure and function are either unavailable or do not agree on the potential impact of this missense change (SIFT: "Tolerated"; PolyPhen-2: "Probably Damaging"; Align-GVGD: "Class C0"). In summary, the available evidence is currently insufficient to determine the role of this variant in disease. Therefore, it has been classified as a Variant of Uncertain Significance.

Natera, Inc.
Classification: Uncertain significance for Hyperammonemia type III. Last evaluated: 2020-02-26. Review status: no assertion criteria provided. Collection method: clinical testing. Allele origin: germline. Not counted in ClinVar's aggregate classification.

NM_153006.3(NAGS):c.1113C>A (p.Phe371Leu)

Gene: NAGS (N-acetylglutamate synthase; plus strand). Cytogenetic location: 17q21.31.
Variant type: single nucleotide variant.
Coding change: c.1113C>A on transcript NM_153006.3 (MANE Select); coding-DNA position 1113, C replaced by A.
Protein change: p.Phe371Leu; replaces phenylalanine 371 with leucine.
Molecular consequence: missense variant.
Genome position (GRCh38, 1-based): chr17:44,007,339, C>A. VCF-style: chr17-44007339-C-A. GRCh37 (hg19) VCF-style: chr17-42084707-C-A.
Other names: short protein forms F371L.
Identifiers: ClinVar variation 857258 (VCV000857258.8), dbSNP rs755872617, ClinGen allele CA8595326.